The following is an entry in ClinVar:

NM_015295.3(SMCHD1):c.5660G>A (p.Arg1887Gln)

Gene: SMCHD1 (structural maintenance of chromosomes flexible hinge domain containing 1; plus strand). Cytogenetic location: 18p11.32.
Variant type: single nucleotide variant.
Coding change: c.5660G>A on transcript NM_015295.3 (MANE Select); coding-DNA position 5660, G replaced by A.
Protein change: p.Arg1887Gln; replaces arginine 1887 with glutamine.
Molecular consequence: missense variant.
Genome position (GRCh38, 1-based): chr18:2,784,562, G>A. VCF-style: chr18-2784562-G-A. GRCh37 (hg19) VCF-style: chr18-2784560-G-A.
Other names: c.5660G>A (NM_015295.2); short protein forms R1887Q.
Identifiers: ClinVar variation 3669471 (VCV003669471.3).

ClinVar aggregate classification (germline): Uncertain significance. Review status: criteria provided, multiple submitters, no conflicts (2 of 4 stars). 2 submissions from 2 submitters: Uncertain significance (2). Last evaluated 2026-06-17.

Conditions:
Facioscapulohumeral muscular dystrophy 2 (FSHD2). Also called: MUSCULAR DYSTROPHY, FACIOSCAPULOHUMERAL, TYPE 1B; FACIOSCAPULOHUMERAL MUSCULAR DYSTROPHY 2, DIGENIC; FSHD2, DIGENIC. Identifiers: Orphanet 269, MedGen C1834671, MONDO:0008031, OMIM 158901.
Inborn genetic diseases. Identifiers: MedGen C0950123, MeSH D030342.

Submissions (2):

Ambry Genetics
Classification: Uncertain significance for Inborn genetic diseases. Last evaluated: 2026-06-17. Review status: criteria provided, single submitter. Criteria: Ambry Variant Classification Scheme 2023. Collection method: clinical testing. Allele origin: germline.

Labcorp Genetics (formerly Invitae), Labcorp
Classification: Uncertain significance for Facioscapulohumeral muscular dystrophy 2. Last evaluated: 2024-10-08. Review status: criteria provided, single submitter. Criteria: Invitae Variant Classification Sherloc (09022015). Collection method: clinical testing. Allele origin: germline.
Comment: This sequence change replaces arginine, which is basic and polar, with glutamine, which is neutral and polar, at codon 1887 of the SMCHD1 protein (p.Arg1887Gln). This variant is not present in population databases (gnomAD no frequency). This variant has not been reported in the literature in individuals affected with SMCHD1-related conditions. Invitae Evidence Modeling of protein sequence and biophysical properties (such as structural, functional, and spatial information, amino acid conservation, physicochemical variation, residue mobility, and thermodynamic stability) indicates that this missense variant is not expected to disrupt SMCHD1 protein function with a negative predictive value of 80%. In summary, the available evidence is currently insufficient to determine the role of this variant in disease. Therefore, it has been classified as a Variant of Uncertain Significance.